The following is an entry in ClinVar:

NM_001267550.2(TTN):c.40923del (p.Gly13643fs)

Gene: TTN (titin; minus strand). Cytogenetic location: 2q31.2.
Variant type: Deletion.
Coding change: c.40923del on transcript NM_001267550.2 (MANE Select); coding-DNA position 40923, one base deleted (C; older notation c.40923delC).
Protein change: p.Gly13643fs; shifts the reading frame from glycine 13643.
Molecular consequence: frameshift variant.
Genome position (GRCh38, 1-based): chr2:178,637,373, G deleted on the plus strand (C on the coding strand, the reverse complement: TTN is on the minus strand). VCF-style (leftmost placement, unchanged base first): chr2-178637372-TG-T. GRCh37 (hg19) VCF-style: chr2-179502099-TG-T.
Other names: c.36000del, p.Gly12002fs (NM_001256850.1); c.13728del, p.Gly4578fs (NM_003319.4); c.33219del, p.Gly11075fs (NM_133378.4); c.14103del, p.Gly4703fs (NM_133432.3); c.14304del, p.Gly4770fs (NM_133437.4); short protein forms G11075fs, G12002fs, G13643fs, G4770fs, G4703fs, G4578fs.
Identifiers: ClinVar variation 4782491 (VCV004782491.1).

ClinVar aggregate classification (germline): Likely pathogenic (1 of 4 stars; one submission).

Conditions:
Dilated cardiomyopathy 1G (CMD1G). Identifiers: Orphanet 154, MedGen C1858763, MONDO:0011400, OMIM 604145.
Autosomal recessive limb-girdle muscular dystrophy type 2J (LGMDR10). Also called: Limb-girdle muscular dystrophy, type 2J; MUSCULAR DYSTROPHY, LIMB-GIRDLE, AUTOSOMAL RECESSIVE 10. Identifiers: Orphanet 140922, MedGen C1837342, MONDO:0012127, OMIM 608807.

Submission:

Labcorp Genetics (formerly Invitae), Labcorp
Classification: Likely pathogenic for Dilated cardiomyopathy 1G; Autosomal recessive limb-girdle muscular dystrophy type 2J. Last evaluated: 2025-09-03. Review status: criteria provided, single submitter. Criteria: Invitae Variant Classification Sherloc (09022015). Collection method: clinical testing. Allele origin: germline.
Comment: This sequence change creates a premature translational stop signal (p.Gly13643Valfs*10) in the TTN gene. While this is not anticipated to result in nonsense mediated decay, it is expected to create a truncated TTN protein. This variant is not present in population databases (gnomAD no frequency). This variant has not been reported in the literature in individuals affected with TTN-related conditions. This variant is located in the I band of TTN (PMID: 25589632). Truncating variants in this region have been reported in individuals affected with autosomal recessive centronuclear myopathy (PMID: 23975875, internal data). Truncating variants in this region have also been identified in individuals affected with autosomal dominant dilated cardiomyopathy and/or cardio-related conditions (PMID: 27869827, 32964742, internal data). In summary, the currently available evidence indicates that the variant is pathogenic, but additional data are needed to prove that conclusively. Therefore, this variant has been classified as Likely Pathogenic.

Literature cited by the submitters: PubMed 25589632; PubMed 23975875; PubMed 27869827; PubMed 32964742.